The following is an entry in ClinVar:

NM_006206.6(PDGFRA):c.499G>T (p.Val167Leu)

Gene: PDGFRA (platelet derived growth factor receptor alpha; plus strand). Cytogenetic location: 4q12.
Variant type: single nucleotide variant.
Coding change: c.499G>T on transcript NM_006206.6 (MANE Select); coding-DNA position 499, G replaced by T.
Protein change: p.Val167Leu; replaces valine 167 with leucine.
Molecular consequence: missense variant.
Genome position (GRCh38, 1-based): chr4:54,263,798, G>T. VCF-style: chr4-54263798-G-T. GRCh37 (hg19) VCF-style: chr4-55129965-G-T.
Other names: c.499G>T, p.Val167Leu (NM_001347827.2, NM_001347829.2); c.574G>T, p.Val192Leu (NM_001347828.2); c.538G>T, p.Val180Leu (NM_001347830.2); short protein forms V167L, V180L, V192L.
Identifiers: ClinVar variation 2157358 (VCV002157358.7), dbSNP rs587778602, ClinGen allele CA356889957.

ClinVar aggregate classification (germline): Uncertain significance. Review status: criteria provided, multiple submitters, no conflicts (2 of 4 stars). 2 submissions from 2 submitters: Uncertain significance (2). Last evaluated 2025-07-30.

Conditions:
Hereditary cancer-predisposing syndrome. Also called: Hereditary Cancer Syndrome; Hereditary neoplastic syndrome; Neoplastic Syndromes, Hereditary; Tumor predisposition. Identifiers: Orphanet 140162, MedGen C0027672, MeSH D009386, MONDO:0015356.
Gastrointestinal stromal tumor. Also called: Gastrointestinal stroma tumor; Gastrointestinal stromal tumor, somatic. Identifiers: Orphanet 44890, MedGen C0238198, MeSH D046152, MONDO:0011719, OMIM 606764, HP:0100723.

gnomAD v4.1: 1 of 1,613,940 alleles (0.000062%); highest among the groups gnomAD compares: Admixed American, 0.0017%; no homozygotes.

Submissions (2):

Labcorp Genetics (formerly Invitae), Labcorp
Classification: Uncertain significance for Gastrointestinal stromal tumor. Last evaluated: 2025-07-30. Review status: criteria provided, single submitter. Criteria: Invitae Variant Classification Sherloc (09022015). Collection method: clinical testing. Allele origin: germline.
Comment: This sequence change replaces valine, which is neutral and non-polar, with leucine, which is neutral and non-polar, at codon 167 of the PDGFRA protein (p.Val167Leu). This variant is present in population databases (no rsID available, gnomAD 0.1%). This variant has not been reported in the literature in individuals affected with PDGFRA-related conditions. ClinVar contains an entry for this variant (Variation ID: 2157358). Invitae Evidence Modeling of protein sequence and biophysical properties (such as structural, functional, and spatial information, amino acid conservation, physicochemical variation, residue mobility, and thermodynamic stability) indicates that this missense variant is not expected to disrupt PDGFRA protein function with a negative predictive value of 80%. In summary, the available evidence is currently insufficient to determine the role of this variant in disease. Therefore, it has been classified as a Variant of Uncertain Significance.

Ambry Genetics
Classification: Uncertain significance for Hereditary cancer-predisposing syndrome. Last evaluated: 2025-06-21. Review status: criteria provided, single submitter. Criteria: Ambry Variant Classification Scheme 2023. Collection method: clinical testing. Allele origin: germline.
Comment: The p.V167L variant (also known as c.499G>T), located in coding exon 3 of the PDGFRA gene, results from a G to T substitution at nucleotide position 499. The valine at codon 167 is replaced by leucine, an amino acid with highly similar properties. This amino acid position is conserved. In addition, this alteration is predicted to be tolerated by in silico analysis. Since supporting evidence is limited at this time, the clinical significance of this alteration remains unclear.